The following is an entry in ClinVar:

ClinVar aggregate classification (germline): Uncertain significance (1 of 4 stars; one submission).

Submission:

GeneDx
Classification: Uncertain significance. Last evaluated: 2017-08-17. Review status: criteria provided, single submitter. Criteria: GeneDx Variant Classification (06012015). Collection method: clinical testing. Allele origin: germline. Affected: yes.
Comment: The c.490delC variant in the FIBP gene has not been reported previously as a pathogenic variant nor as a benign variant, to our knowledge. The c.490delC variant causes a frameshift starting with codon Leucine 164, changes this amino acid to a Serine residue, and creates a premature Stop codon at position 31 of the new reading frame, denoted p.L164SfsX31. This variant is predicted to cause loss of normal protein function either through protein truncation or nonsense-mediated mRNA decay. The c.490delC variant is not observed in large population cohorts (Lek et al., 2016; 1000 Genomes Consortium et al., 2015; Exome Variant Server). We interpret c.490delC as a variant of uncertain significance.

NM_004214.5(FIBP):c.490del (p.Leu164fs)

Gene: FIBP (FGF1 intracellular binding protein; minus strand). Cytogenetic location: 11q13.1.
Variant type: Deletion.
Coding change: c.490del on transcript NM_004214.5 (MANE Select); coding-DNA position 490, one base deleted (C; older notation c.490delC).
Protein change: p.Leu164fs; shifts the reading frame from leucine 164.
Molecular consequence: frameshift variant.
Genome position (GRCh38, 1-based): chr11:65,886,344, G deleted on the plus strand (C on the coding strand, the reverse complement: FIBP is on the minus strand); the first of 2 consecutive G bases (chr11:65,886,344-65,886,345); deleting either gives the same sequence. VCF-style (leftmost placement, unchanged base first): chr11-65886343-AG-A. GRCh37 (hg19) VCF-style: chr11-65653814-AG-A.
Other names: c.490del, p.Leu164fs (NM_198897.2); short protein forms L164fs.
Identifiers: ClinVar variation 451590 (VCV000451590.2), dbSNP rs1555046227, ClinGen allele CA658658070.
Genomic context (GRCh38, chr11:65,886,343, plus strand): 5'-GAAGTAGTGTGCGGGATGGGGAGGTGGCTAGCTCCTCACCTGGCCAACCGGTCAGAGAGG[AG>A]GAAGTGTTGCTGAATATTGTCCACCAGGGAGCCCCGCATTTCCTCTACCACCTTGAAGAC-3'